The following is an entry in ClinVar:

NM_005378.6(MYCN):c.411_417delinsTTCCA (p.Arg138fs)

Gene: MYCN (MYCN proto-oncogene, bHLH transcription factor; plus strand). Cytogenetic location: 2p24.3.
Variant type: Indel.
Coding change: c.411_417delinsTTCCA on transcript NM_005378.6 (MANE Select); coding-DNA positions 411 to 417, CCGCGGG replaced by TTCCA.
Protein change: p.Arg138fs; shifts the reading frame from arginine 138.
Molecular consequence: frameshift variant. On other transcripts: 3 prime UTR variant (1), intron variant (1).
Genome position (GRCh38, 1-based): chr2:15,942,475-15,942,481, CCGCGGG replaced by TTCCA. VCF-style: chr2-15942475-CCGCGGG-TTCCA. GRCh37 (hg19) VCF-style: chr2-16082597-CCGCGGG-TTCCA.
Other names: c.411_417delinsTTCCA, p.Arg138fs (NM_001293228.2); c.*346_*352delinsTTCCA (NM_001293233.2); c.157+1732_157+1738delinsTTCCA (NM_001293231.2); short protein forms R138fs.
Identifiers: ClinVar variation 4796616 (VCV004796616.1).
Genomic context (GRCh38, chr2:15,942,475, plus strand): 5'-GAGCGGCTTCTCCGCCCGCGAGAAGCTGGAGCGCGCCGTGAGCGAGAAGCTGCAGCACGG[CCGCGGG>TTCCA]CCGCCAACCGCCGGTTCCACCGCCCAGTCCCCGGGAGCCGGCGCCGCCAGCCCTGCGGGT-3'

ClinVar aggregate classification (germline): Pathogenic (1 of 4 stars; one submission).

Conditions:
Feingold syndrome type 1 (FGLDS1). Also called: MICROCEPHALY, MENTAL RETARDATION, AND TRACHEOESOPHAGEAL FISTULA SYNDROME; MICROCEPHALY-OCULO-DIGITO-ESOPHAGEAL-DUODENAL SYNDROME; OCULODIGITOESOPHAGODUODENAL SYNDROME; ODED SYNDROME; MICROCEPHALY AND DIGITAL ABNORMALITIES WITH NORMAL INTELLIGENCE. Identifiers: Orphanet 1305, Orphanet 391641, MedGen C4551774, MONDO:0008115, OMIM 164280.
Megalencephaly-polydactyly syndrome (MPAPA). Identifiers: MedGen C5935591, MONDO:0958279, OMIM 620748.

Submission:

Juno Genomics, Hangzhou Juno Genomics, Inc
Classification: Pathogenic for Megalencephaly-polydactyly syndrome; Feingold syndrome type 1. Review status: criteria provided, single submitter. Criteria: ACMG Guidelines, 2015. Collection method: clinical testing. Allele origin: germline. Affected: yes.
Comment: Absent from controls (or at extremely low frequency if recessive) in Genome Aggregation Database, Exome Sequencing Project, 1000 Genomes Project, or Exome Aggregation Consortium.;De novo (both maternity and paternity confirmed) in a patient with the disease and no family history.;Null variant in a gene where loss of function (LOF) is a known mechanism of disease.